The following is an entry in ClinVar:

NM_002087.4(GRN):c.1603C>T (p.Arg535Ter)

Gene: GRN (granulin precursor; plus strand). Cytogenetic location: 17q21.31.
Variant type: single nucleotide variant.
Coding change: c.1603C>T on transcript NM_002087.4 (MANE Select); coding-DNA position 1603, C replaced by T.
Protein change: p.Arg535Ter; replaces arginine 535 with a stop codon.
Molecular consequence: nonsense.
Genome position (GRCh38, 1-based): chr17:44,352,530, C>T. VCF-style: chr17-44352530-C-T. GRCh37 (hg19) VCF-style: chr17-42429898-C-T.
Other names: short protein forms R535*.
Identifiers: ClinVar variation 2948899 (VCV002948899.5), dbSNP rs756612865, ClinGen allele CA8602241.
Genomic context (GRCh38, chr17:44,352,530, plus strand): 5'-GGTGTGAAGGACGTGGAGTGTGGGGAAGGACACTTCTGCCATGATAACCAGACCTGCTGC[C>T]GAGACAACCGACAGGGCTGGGCCTGCTGTCCCTACCGCCAGGTCAGTGCCAACCCCCATC-3'

ClinVar aggregate classification (germline): Conflicting classifications of pathogenicity. Review status: criteria provided, conflicting classifications (1 of 4 stars). 2 submissions from 2 submitters: Likely pathogenic (1); Uncertain significance (1). Last evaluated 2023-02-26.

Conditions:
GRN-related frontotemporal lobar degeneration with Tdp43 inclusions (FTD2). Also called: DEMENTIA, HEREDITARY DYSPHASIC DISINHIBITION; FRONTOTEMPORAL LOBAR DEGENERATION WITH UBIQUITIN-POSITIVE INCLUSIONS; FTLD-TDP, GRN-RELATED; GRN Frontotemporal Dementia; FRONTOTEMPORAL DEMENTIA WITH TDP43 INCLUSIONS, GRN-RELATED. Identifiers: Orphanet 100070, Orphanet 282, MedGen C1843792, MONDO:0011842, OMIM 607485. Disease mechanism: loss of function.
Neuronal ceroid lipofuscinosis 11. Also called: GRN-Related Neuronal Ceroid-Lipofuscinosis. Identifiers: Orphanet 314629, Orphanet 79262, MedGen C3539123, MONDO:0013866, OMIM 614706.

Allele frequency attached by ClinVar (database versions not stated): TOPMed below 0.00001; gnomAD exomes 0.00001.

Submissions (2):

Labcorp Genetics (formerly Invitae), Labcorp
Classification: Uncertain significance for Neuronal ceroid lipofuscinosis 11; GRN-related frontotemporal lobar degeneration with Tdp43 inclusions. Last evaluated: 2023-02-26. Review status: criteria provided, single submitter. Criteria: Invitae Variant Classification Sherloc (09022015). Collection method: clinical testing. Allele origin: germline.
Comment: This sequence change creates a premature translational stop signal (p.Arg535*) in the GRN gene. While this is not anticipated to result in nonsense mediated decay, it is expected to disrupt the last 59 amino acid(s) of the GRN protein. This variant is present in population databases (rs756612865, gnomAD 0.006%). This premature translational stop signal has been observed in individual(s) with Alzheimer's disease (PMID: 17923627). In summary, the available evidence is currently insufficient to determine the role of this variant in disease. Therefore, it has been classified as a Variant of Uncertain Significance.

Juno Genomics, Hangzhou Juno Genomics, Inc
Classification: Likely pathogenic for GRN-related frontotemporal lobar degeneration with Tdp43 inclusions; Neuronal ceroid lipofuscinosis 11. Review status: criteria provided, single submitter. Criteria: ACMG Guidelines, 2015. Collection method: clinical testing. Allele origin: germline.
Comment: Null variant in a gene where loss of function (LOF) is a known mechanism of disease.;Absent from controls (or at extremely low frequency if recessive) in Genome Aggregation Database.;Patient's phenotype or family history is highly specific for a disease with a single genetic etiology.

Literature cited by the submitters: PubMed 17923627 (cited by Labcorp Genetics (formerly Invitae), Labcorp).